The following is an entry in ClinVar:

ClinVar aggregate classification (germline): Uncertain significance (1 of 4 stars; one submission).

Conditions:
Congenital muscular hypertrophy-cerebral syndrome (CDLS2). Also called: SMC1A-Related Cornelia de Lange Syndrome; Cornelia de Lange syndrome 2. Identifiers: Orphanet 199, MedGen C1802395, MONDO:0010370, OMIM 300590.

gnomAD v4.1: 3 of 1,211,135 alleles (0.00025%); highest among the groups gnomAD compares: Non-Finnish European, 0.00034%; no homozygotes.

Submission:

Labcorp Genetics (formerly Invitae), Labcorp
Classification: Uncertain significance for Congenital muscular hypertrophy-cerebral syndrome. Last evaluated: 2025-04-21. Review status: criteria provided, single submitter. Criteria: Invitae Variant Classification Sherloc (09022015). Collection method: clinical testing. Allele origin: germline.
Comment: This sequence change replaces arginine, which is basic and polar, with cysteine, which is neutral and slightly polar, at codon 329 of the SMC1A protein (p.Arg329Cys). This variant is not present in population databases (gnomAD no frequency). This variant has not been reported in the literature in individuals affected with SMC1A-related conditions. Invitae Evidence Modeling of protein sequence and biophysical properties (such as structural, functional, and spatial information, amino acid conservation, physicochemical variation, residue mobility, and thermodynamic stability) indicates that this missense variant is not expected to disrupt SMC1A protein function with a negative predictive value of 80%. In summary, the available evidence is currently insufficient to determine the role of this variant in disease. Therefore, it has been classified as a Variant of Uncertain Significance.

NM_006306.4(SMC1A):c.985C>T (p.Arg329Cys)

Gene: SMC1A (structural maintenance of chromosomes 1A; minus strand). Cytogenetic location: Xp11.22.
Variant type: single nucleotide variant.
Coding change: c.985C>T on transcript NM_006306.4 (MANE Select); coding-DNA position 985, C replaced by T.
Protein change: p.Arg329Cys; replaces arginine 329 with cysteine.
Molecular consequence: missense variant.
Genome position (GRCh38, 1-based): chrX:53,412,123, G>A on the plus strand (C>T on the coding strand, the complement: SMC1A is on the minus strand). VCF-style: chrX-53412123-G-A. GRCh37 (hg19) VCF-style: chrX-53439073-G-A.
Other names: c.919C>T, p.Arg307Cys (NM_001281463.1); short protein forms R307C, R329C.
Identifiers: ClinVar variation 4810350 (VCV004810350.1).